The following is an entry in ClinVar:

ClinVar aggregate classification (germline): Uncertain significance. Review status: criteria provided, multiple submitters, no conflicts (2 of 4 stars). 3 submissions from 3 submitters: Uncertain significance (2). 1 of the submissions does not count toward it. Last evaluated 2025-08-05.

Conditions:
Inborn genetic diseases. Identifiers: MedGen C0950123, MeSH D030342.
Holocarboxylase synthetase deficiency. Also called: MULTIPLE CARBOXYLASE DEFICIENCY, EARLY ONSET. Identifiers: Orphanet 79242, MedGen C0268581, MONDO:0009666, OMIM 253270.

Allele frequency attached by ClinVar (database versions not stated): ExAC 0.00001; gnomAD exomes 0.00001 and 0.00002; gnomAD 0.00002; TOPMed 0.00002; ESP Exome Variant Server 0.00008.
gnomAD v4.1: 25 of 1,613,890 alleles (0.0015%); highest among the groups gnomAD compares: African/African-American, 0.0053%; no homozygotes.

Submissions (3):

Ambry Genetics
Classification: Uncertain significance for Inborn genetic diseases. Last evaluated: 2025-08-05. Review status: criteria provided, single submitter. Criteria: Ambry Variant Classification Scheme 2023. Collection method: clinical testing. Allele origin: germline.

Labcorp Genetics (formerly Invitae), Labcorp
Classification: Uncertain significance for Holocarboxylase synthetase deficiency. Last evaluated: 2025-01-27. Review status: criteria provided, single submitter. Criteria: Invitae Variant Classification Sherloc (09022015). Collection method: clinical testing. Allele origin: germline.
Comment: This sequence change replaces glutamic acid, which is acidic and polar, with lysine, which is basic and polar, at codon 703 of the HLCS protein (p.Glu703Lys). This variant is present in population databases (rs145337682, gnomAD 0.01%). This variant has not been reported in the literature in individuals affected with HLCS-related conditions. ClinVar contains an entry for this variant (Variation ID: 1056085). Invitae Evidence Modeling of protein sequence and biophysical properties (such as structural, functional, and spatial information, amino acid conservation, physicochemical variation, residue mobility, and thermodynamic stability) indicates that this missense variant is not expected to disrupt HLCS protein function with a negative predictive value of 95%. In summary, the available evidence is currently insufficient to determine the role of this variant in disease. Therefore, it has been classified as a Variant of Uncertain Significance.

Natera, Inc.
Classification: Uncertain significance for Holocarboxylase synthetase deficiency. Last evaluated: 2020-03-25. Review status: no assertion criteria provided. Collection method: clinical testing. Allele origin: germline. Not counted in ClinVar's aggregate classification.

NM_001352514.2(HLCS):c.2548G>A (p.Glu850Lys)

Gene: HLCS (holocarboxylase synthetase; minus strand). Cytogenetic location: 21q22.13.
Variant type: single nucleotide variant.
Coding change: c.2548G>A on transcript NM_001352514.2 (MANE Select); coding-DNA position 2548, G replaced by A.
Protein change: p.Glu850Lys; replaces glutamic acid 850 with lysine.
Molecular consequence: missense variant. On other transcripts: non-coding transcript variant (2).
Genome position (GRCh38, 1-based): chr21:36,754,320, C>T on the plus strand (G>A on the coding strand, the complement: HLCS is on the minus strand). VCF-style: chr21-36754320-C-T. GRCh37 (hg19) VCF-style: chr21-38126621-C-T.
Other names: c.2107G>A, p.Glu703Lys (NM_000411.8, NM_001242784.3, NM_001242785.2 and 4 more transcripts); c.2107G>A (NM_000411.6); short protein forms E703K, E850K.
Identifiers: ClinVar variation 1056085 (VCV001056085.13), dbSNP rs145337682, ClinGen allele CA10020220.